The following is an entry in ClinVar:

NM_002427.4(MMP13):c.1121G>T (p.Gly374Val)

Gene: MMP13 (matrix metallopeptidase 13; minus strand). Cytogenetic location: 11q22.2.
Variant type: single nucleotide variant.
Coding change: c.1121G>T on transcript NM_002427.4 (MANE Select); coding-DNA position 1121, G replaced by T.
Protein change: p.Gly374Val; replaces glycine 374 with valine.
Molecular consequence: missense variant.
Genome position (GRCh38, 1-based): chr11:102,947,981, C>A on the plus strand (G>T on the coding strand, the complement: MMP13 is on the minus strand). VCF-style: chr11-102947981-C-A. GRCh37 (hg19) VCF-style: chr11-102818710-C-A.
Other names: short protein forms G374V.
Identifiers: ClinVar variation 1523616 (VCV001523616.8), dbSNP rs879998813, ClinGen allele CA382227458.
Genomic context (GRCh38, chr11:102,947,981, plus strand): 5'-GTCTTGCCTGTATCCTCAAAGTGAACAGCTGCACTTATCTTCTTAACTTCTTTTGGAAGA[C>A]CCAGTTCAGATATTTTTTTGGGATAACCTTCCAGAATGTCATAACCATTAAGAGCCCAAA-3'
Protein context (NP_002418.1, residues 364-384): EGYPKKISEL[Gly374Val]LPKEVKKISA

ClinVar aggregate classification (germline): Uncertain significance (1 of 4 stars; one submission).

gnomAD v4.1: 9 of 1,613,812 alleles (0.00056%); highest among the groups gnomAD compares: South Asian, 0.0099%; no homozygotes.

Submission:

Labcorp Genetics (formerly Invitae), Labcorp
Classification: Uncertain significance. Last evaluated: 2023-03-22. Review status: criteria provided, single submitter. Criteria: Invitae Variant Classification Sherloc (09022015). Collection method: clinical testing. Allele origin: germline.
Comment: This sequence change replaces glycine, which is neutral and non-polar, with valine, which is neutral and non-polar, at codon 374 of the MMP13 protein (p.Gly374Val). This variant is present in population databases (no rsID available, gnomAD 0.003%). This variant has not been reported in the literature in individuals affected with MMP13-related conditions. ClinVar contains an entry for this variant (Variation ID: 1523616). Advanced modeling of protein sequence and biophysical properties (such as structural, functional, and spatial information, amino acid conservation, physicochemical variation, residue mobility, and thermodynamic stability) performed at Invitae indicates that this missense variant is expected to disrupt MMP13 protein function. In summary, the available evidence is currently insufficient to determine the role of this variant in disease. Therefore, it has been classified as a Variant of Uncertain Significance.